The following is an entry in ClinVar:

NM_001012426.2(FOXP4):c.1110G>A (p.Leu370=)

Gene: FOXP4 (forkhead box P4; plus strand). Cytogenetic location: 6p21.1.
Variant type: single nucleotide variant.
Coding change: c.1110G>A on transcript NM_001012426.2 (MANE Select); coding-DNA position 1110, G replaced by A.
Protein change: p.Leu370=; no amino-acid change (leucine 370 retained).
Molecular consequence: synonymous variant.
Genome position (GRCh38, 1-based): chr6:41,589,815, G>A. VCF-style: chr6-41589815-G-A. GRCh37 (hg19) VCF-style: chr6-41557553-G-A.
Other names: c.1104G>A, p.Leu368= (NM_001012427.2); c.1110G>A, p.Leu370= (NM_001405824.1); c.1014G>A, p.Leu338= (NM_001405825.1, NM_001405826.1); c.1107G>A, p.Leu369= (NM_138457.3).
Identifiers: ClinVar variation 4823418 (VCV004823418.4).

ClinVar aggregate classification (germline): Likely benign (1 of 4 stars; one submission).

Submission:

CeGaT Center for Human Genetics Tuebingen
Classification: Likely benign. Last evaluated: 2026-02-01. Review status: criteria provided, single submitter. Criteria: CeGaT Center For Human Genetics Tuebingen Variant Classification Criteria Version 2. Collection method: clinical testing. Allele origin: germline. Affected: yes. Observed: 1 variant allele.
Comment: FOXP4: PM2:Supporting, BP4, BP7